The following is an entry in ClinVar:

NM_006734.4(HIVEP2):c.5060C>A (p.Thr1687Asn)

Gene: HIVEP2 (HIVEP zinc finger 2; minus strand). Cytogenetic location: 6q24.2.
Variant type: single nucleotide variant.
Coding change: c.5060C>A on transcript NM_006734.4 (MANE Select); coding-DNA position 5060, C replaced by A.
Protein change: p.Thr1687Asn; replaces threonine 1687 with asparagine.
Molecular consequence: missense variant.
Genome position (GRCh38, 1-based): chr6:142,769,679, G>T on the plus strand (C>A on the coding strand, the complement: HIVEP2 is on the minus strand). VCF-style: chr6-142769679-G-T. GRCh37 (hg19) VCF-style: chr6-143090816-G-T.
Other names: short protein forms T1687N.
Identifiers: ClinVar variation 2506331 (VCV002506331.2), dbSNP rs2114643030, ClinGen allele CA365895943.
Genomic context (GRCh38, chr6:142,769,679, plus strand): 5'-AGAGTATAAATTTCTGCAGTGATTTTTTGCTTGGACCTCAGAAGAGCCAGCGTGGTCTTG[G>T]TGTTCAATCCTGATGGGTTTGGATTACAGGAACTAATGCACCATGAAGCATAAACCGAGG-3'
Protein context (NP_006725.3, residues 1677-1697): SCNPNPSGLN[Thr1687Asn]KTTLALLRSK

ClinVar aggregate classification (germline): Uncertain significance (1 of 4 stars; one submission).

Submission:

Women's Health and Genetics/Laboratory Corporation of America, LabCorp
Classification: Uncertain significance. Last evaluated: 2023-06-21. Review status: criteria provided, single submitter. Criteria: LabCorp Variant Classification Summary - May 2015. Collection method: clinical testing. Allele origin: germline.
Comment: Variant summary: HIVEP2 c.5060C>A (p.Thr1687Asn) results in a non-conservative amino acid change in the encoded protein sequence. Four of five in-silico tools predict a damaging effect of the variant on protein function. The variant was absent in 249586 control chromosomes. To our knowledge, c.5060C>A has not been reported in the literature and no experimental evidence demonstrating an impact on protein function has been reported. No submitters have cited clinical-significance assessments for this variant to ClinVar after 2014. Based on the evidence outlined above, the variant was classified as VUS-possibly pathogenic.